The following is an entry in ClinVar:

NM_001379081.2(FREM1):c.5205-1G>C

Gene: FREM1 (FRAS1 related extracellular matrix 1; minus strand). Cytogenetic location: 9p22.3.
Variant type: single nucleotide variant.
Coding change: c.5205-1G>C on transcript NM_001379081.2 (MANE Select); the canonical splice acceptor site of the intron before coding-DNA position 5205, G replaced by C.
Molecular consequence: splice acceptor variant.
Genome position (GRCh38, 1-based): chr9:14,759,902, C>G on the plus strand (G>C on the coding strand, the complement: FREM1 is on the minus strand). VCF-style: chr9-14759902-C-G. GRCh37 (hg19) VCF-style: chr9-14759900-C-G.
Other names: c.5205-1G>C (NM_144966.7); c.813-1G>C (NM_001370061.2, NM_001370058.2, NM_001177704.3).
Identifiers: ClinVar variation 2021030 (VCV002021030.4), dbSNP rs1064797351, ClinGen allele CA372960052.

ClinVar aggregate classification (germline): Likely pathogenic (1 of 4 stars; one submission).

gnomAD v4.1: 1 of 1,607,922 alleles (0.000062%); highest among the groups gnomAD compares: Admixed American, 0.0017%; no homozygotes.

Submission:

Labcorp Genetics (formerly Invitae), Labcorp
Classification: Likely pathogenic. Last evaluated: 2022-08-10. Review status: criteria provided, single submitter. Criteria: Invitae Variant Classification Sherloc (09022015). Collection method: clinical testing. Allele origin: germline.
Comment: In summary, the currently available evidence indicates that the variant is pathogenic, but additional data are needed to prove that conclusively. Therefore, this variant has been classified as Likely Pathogenic. Algorithms developed to predict the effect of sequence changes on RNA splicing suggest that this variant may disrupt the consensus splice site. Disruption of this splice site has been observed in individual(s) with clinical features of FREM1-related conditions (PMID: 26633542). This variant is present in population databases (no rsID available, gnomAD 0.003%). This sequence change affects an acceptor splice site in intron 28 of the FREM1 gene. It is expected to disrupt RNA splicing. Variants that disrupt the donor or acceptor splice site typically lead to a loss of protein function (PMID: 16199547), and loss-of-function variants in FREM1 are known to be pathogenic (PMID: 19732862, 21507892).

Literature cited by the submitters: PubMed 26633542; PubMed 16199547; PubMed 19732862; PubMed 21507892.